The following is an entry in ClinVar:

ClinVar aggregate classification (germline): Likely pathogenic. Review status: criteria provided, single submitter (1 of 4 stars). 2 submissions from 2 submitters: Likely pathogenic (1). 1 of the submissions does not count toward it. Last evaluated 2019-08-12.

Conditions:
Hereditary breast ovarian cancer syndrome. Also called: Hereditary breast and ovarian cancer; Hereditary breast and ovarian cancer syndrome (HBOC); Breast and ovarian cancer; Hereditary breast and/or ovarian cancer syndrome; BRCA1- and BRCA2-Associated Hereditary Breast and Ovarian Cancer; Hereditary breast and ovarian cancer syndrome. Identifiers: Orphanet 145, MedGen C0677776, MeSH D061325, MONDO:0003582. Disease mechanism: loss of function.
Gastric cancer. Also called: Malignant tumor of stomach; Stomach cancer. Identifiers: MedGen C0024623, MeSH D013274, MONDO:0001056, OMIM 613659, HP:0012126.

Submissions (3):

Women's Health and Genetics/Laboratory Corporation of America, LabCorp
Classification: Likely pathogenic for Hereditary breast and ovarian cancer syndrome. Last evaluated: 2019-08-12. Review status: criteria provided, single submitter. Criteria: LabCorp Variant Classification Summary - May 2015. Collection method: clinical testing. Allele origin: germline.
Comment: Variant summary: BRCA1 c.5092G>T (p.Glu1698X) results in a premature termination codon, predicted to cause a truncation of the encoded protein or absence of the protein due to nonsense mediated decay, which are commonly known mechanisms for disease. Truncations downstream of this position have been classified as pathogenic by our laboratory. The variant was absent in 251240 control chromosomes. To our knowledge, no occurrence of c.5092G>T in individuals affected with Hereditary Breast and Ovarian Cancer and no experimental evidence demonstrating its impact on protein function have been reported. No clinical diagnostic laboratories have submitted clinical-significance assessments for this variant to ClinVar after 2014. Based on the evidence outlined above, the variant was classified as likely pathogenic.

Laboratory for Genotyping Development, RIKEN
Classification: Pathogenic for Gastric cancer. Last evaluated: 2021-07-01. Review status: no assertion criteria provided. Collection method: research. Allele origin: germline. Not counted in ClinVar's aggregate classification.

Brotman Baty Institute, University of Washington
No classification provided (evidence only). Condition: Breast-ovarian cancer, familial 1. Review status: no classification provided. Collection method: in vitro. Allele origin: not applicable. Functional consequence: functionally_abnormal. Not counted in ClinVar's aggregate classification.
ClinVar note: "not provided" was previously submitted as the classification for the variant. However, the classification appeared to be based only on an observation of functional data so it was converted to no classification on 2025-07-30.

Literature cited by the submitters: PubMed 36988593 (cited by Laboratory for Genotyping Development, RIKEN).

NM_007294.4(BRCA1):c.5092G>T (p.Glu1698Ter)

Gene: BRCA1 (BRCA1 DNA repair associated; minus strand). Cytogenetic location: 17q21.31.
Variant type: single nucleotide variant.
Coding change: c.5092G>T on transcript NM_007294.4 (MANE Select); coding-DNA position 5092, G replaced by T.
Protein change: p.Glu1698Ter; replaces glutamic acid 1698 with a stop codon.
Molecular consequence: nonsense. On other transcripts: non-coding transcript variant (1).
Genome position (GRCh38, 1-based): chr17:43,063,934, C>A on the plus strand (G>T on the coding strand, the complement: BRCA1 is on the minus strand). VCF-style: chr17-43063934-C-A. GRCh37 (hg19) VCF-style: chr17-41215951-C-A.
Other names: c.4879G>T, p.Glu1627Ter (NM_001407571.1, NM_001407894.1, NM_001407895.1 and 12 more transcripts); c.5158G>T, p.Glu1720Ter (NM_001407581.1, NM_001407582.1); c.5155G>T, p.Glu1719Ter (NM_001407583.1, NM_001407585.1, NM_001407587.1 and 1 more transcripts); c.5152G>T, p.Glu1718Ter (NM_001407590.1, NM_001407591.1); c.5092G>T, p.Glu1698Ter (NM_001407593.1, NM_001407594.1, NM_001407596.1 and 7 more transcripts); c.5089G>T, p.Glu1697Ter (NM_001407618.1, NM_001407619.1, NM_001407620.1 and 17 more transcripts); c.5086G>T, p.Glu1696Ter (NM_001407637.1, NM_001407638.1, NM_001407639.1 and 14 more transcripts); c.5083G>T, p.Glu1695Ter (NM_001407644.1, NM_001407645.1); and 71 more; short protein forms E594*, E1719*, E1698*, E1651*, E1401*, E1529*, E1570*, E1571*.
Identifiers: ClinVar variation 868632 (VCV000868632.23), dbSNP rs2051929740, ClinGen allele CA10591340.
Genomic context (GRCh38, chr17:43,063,934, plus strand): 5'-AGAAATAGCTAACTACCCATTTTCCTCCCGCAATTCCTAGAAAATATTTCAGTGTCCGTT[C>A]ACACACAAACTCAGCATCTGCAGAATGAAAAACACTCAAAGGATTAGAAGTTGAAAACAA-3'